The following is an entry in ClinVar:

ClinVar aggregate classification (germline): Uncertain significance (1 of 4 stars; one submission).

Submission:

GeneDx
Classification: Uncertain significance. Last evaluated: 2024-12-12. Review status: criteria provided, single submitter. Criteria: GeneDx Variant Classification Process June 2021. Collection method: clinical testing. Allele origin: germline. Affected: yes.
Comment: Not observed at significant frequency in large population cohorts (gnomAD); In silico analysis supports a deleterious effect on splicing; Has not been previously published as pathogenic or benign to our knowledge

NM_004380.3(CREBBP):c.2284-5C>G

Gene: CREBBP (CREB binding lysine acetyltransferase; minus strand). Cytogenetic location: 16p13.3.
Variant type: single nucleotide variant.
Coding change: c.2284-5C>G on transcript NM_004380.3 (MANE Select); 5 bases into the intron before coding-DNA position 2284, C replaced by G.
Molecular consequence: intron variant.
Genome position (GRCh38, 1-based): chr16:3,773,935, G>C on the plus strand (C>G on the coding strand, the complement: CREBBP is on the minus strand). VCF-style: chr16-3773935-G-C. GRCh37 (hg19) VCF-style: chr16-3823936-G-C.
Other names: c.2170-5C>G (NM_001079846.1).
Identifiers: ClinVar variation 3902944 (VCV003902944.1).